The following is an entry in ClinVar:

ClinVar aggregate classification (germline): Uncertain significance. Review status: criteria provided, multiple submitters, no conflicts (2 of 4 stars). 3 submissions from 3 submitters: Uncertain significance (3). Last evaluated 2026-03-01.

Conditions:
Hereditary cancer-predisposing syndrome. Also called: Hereditary neoplastic syndrome; Tumor predisposition; Neoplastic Syndromes, Hereditary; Hereditary Cancer Syndrome. Identifiers: Orphanet 140162, MedGen C0027672, MeSH D009386, MONDO:0015356.
Neuroblastoma, susceptibility to, 3. Also called: ALK-Related Neuroblastic Tumor Susceptibility. Identifiers: Orphanet 635, MedGen C2751681, MONDO:0013083, OMIM 613014.

Allele frequency attached by ClinVar (database versions not stated): gnomAD 0.00001; gnomAD exomes 0.00001; TOPMed 0.00001.
gnomAD v4.1: 4 of 1,614,068 alleles (0.00025%); highest among the groups gnomAD compares: Admixed American, 0.0067%; no homozygotes.

Submissions (3):

CeGaT Center for Human Genetics Tuebingen
Classification: Uncertain significance. Last evaluated: 2026-03-01. Review status: criteria provided, single submitter. Criteria: CeGaT Center For Human Genetics Tuebingen Variant Classification Criteria Version 2. Collection method: clinical testing. Allele origin: germline. Affected: yes. Observed: 1 variant allele.
Comment: ALK: PM2, BP4

Labcorp Genetics (formerly Invitae), Labcorp
Classification: Uncertain significance for Neuroblastoma, susceptibility to, 3. Last evaluated: 2025-12-09. Review status: criteria provided, single submitter. Criteria: Invitae Variant Classification Sherloc (09022015). Collection method: clinical testing. Allele origin: germline.
Comment: This sequence change replaces glutamine, which is neutral and polar, with histidine, which is basic and polar, at codon 1587 of the ALK protein (p.Gln1587His). This variant is present in population databases (no rsID available, gnomAD 0.009%). This variant has not been reported in the literature in individuals affected with ALK-related conditions. ClinVar contains an entry for this variant (Variation ID: 470886). An algorithm developed to predict the effect of missense changes on protein structure and function (PolyPhen-2) suggests that this variant is likely to be disruptive. In summary, the available evidence is currently insufficient to determine the role of this variant in disease. Therefore, it has been classified as a Variant of Uncertain Significance.

Ambry Genetics
Classification: Uncertain significance for Hereditary cancer-predisposing syndrome. Last evaluated: 2024-12-12. Review status: criteria provided, single submitter. Criteria: Ambry Variant Classification Scheme 2023. Collection method: clinical testing. Allele origin: germline.
Comment: The p.Q1587H variant (also known as c.4761G>C), located in coding exon 29 of the ALK gene, results from a G to C substitution at nucleotide position 4761. The glutamine at codon 1587 is replaced by histidine, an amino acid with highly similar properties. This amino acid position is conserved. In addition, this alteration is predicted to be tolerated by in silico analysis. Since supporting evidence is limited at this time, the clinical significance of this alteration remains unclear.

NM_004304.5(ALK):c.4761G>C (p.Gln1587His)

Gene: ALK (ALK receptor tyrosine kinase; minus strand). Cytogenetic location: 2p23.2.
Variant type: single nucleotide variant.
Coding change: c.4761G>C on transcript NM_004304.5 (MANE Select); coding-DNA position 4761, G replaced by C.
Protein change: p.Gln1587His; replaces glutamine 1587 with histidine.
Molecular consequence: missense variant.
Genome position (GRCh38, 1-based): chr2:29,193,326, C>G on the plus strand (G>C on the coding strand, the complement: ALK is on the minus strand). VCF-style: chr2-29193326-C-G. GRCh37 (hg19) VCF-style: chr2-29416192-C-G.
Other names: c.1557G>C, p.Gln519His (NM_001353765.2); short protein forms Q1587H, Q519H.
Identifiers: ClinVar variation 470886 (VCV000470886.18), dbSNP rs1396711236, ClinGen allele CA346460302.
Genomic context (GRCh38, chr2:29,193,326, plus strand): 5'-GGTATCCTCGTAATGACCAGCTCCAGGGGCAGTAGCGGCTTCTAAGGGCAAGCCCTGTTG[C>G]TGGTAGCCGTAATTGACATTCCCACAAGGGAAGTGACGTAGCCTGAACAGAGGTACCTCC-3'
Protein context (NP_004295.2, residues 1577-1597): FPCGNVNYGY[Gln1587His]QQGLPLEAAT